The following is an entry in ClinVar:

ClinVar aggregate classification (germline): Benign/Likely benign. Review status: criteria provided, multiple submitters, no conflicts (2 of 4 stars). 3 submissions from 3 submitters: Benign (2); Likely benign (1). Last evaluated 2025-11-01.

Conditions:
Primary familial polycythemia due to EPO receptor mutation. Also called: POLYCYTHEMIA, PRIMARY FAMILIAL AND CONGENITAL; Primary Familial Congenital Polycythemia; Erythrocytosis, familial, 1; ERYTHROCYTOSIS, SOMATIC. Identifiers: Orphanet 90042, MedGen C4551637, MONDO:0007572, OMIM 133100.

Allele frequency attached by ClinVar (database versions not stated): ExAC 0.00005; gnomAD exomes 0.00010; gnomAD 0.00016 and 0.00017; TOPMed 0.00020; 1000 Genomes Project 30x 0.00047; 1000 Genomes Project 0.00080.
gnomAD v4.1: 161 of 1,537,996 alleles (0.01%); highest among the groups gnomAD compares: African/African-American, 0.066%; no homozygotes.

Submissions (3):

CeGaT Center for Human Genetics Tuebingen
Classification: Likely benign. Last evaluated: 2025-11-01. Review status: criteria provided, single submitter. Criteria: CeGaT Center For Human Genetics Tuebingen Variant Classification Criteria Version 2. Collection method: clinical testing. Allele origin: germline. Affected: yes. Observed: 2 variant alleles.
Comment: EPOR: BS2

Illumina Laboratory Services, Illumina
Classification: Benign for Primary familial polycythemia due to EPO receptor mutation. Last evaluated: 2018-01-13. Review status: criteria provided, single submitter. Criteria: ICSL Variant Classification Criteria 13 December 2019. Collection method: clinical testing. Allele origin: germline.
Comment: This variant was observed in the ICSL laboratory as part of a predisposition screen in an ostensibly healthy population. It had not been previously curated by ICSL or reported in the Human Gene Mutation Database (HGMD: prior to June 1st, 2018), and was therefore a candidate for classification through an automated scoring system. Utilizing variant allele frequency, disease prevalence and penetrance estimates, and inheritance mode, an automated score was calculated to assess if this variant is too frequent to cause the disease. Based on the score and internal cut-off values, a variant classified as benign is not then subjected to further curation. The score for this variant resulted in a classification of benign for this disease.

Breakthrough Genomics
Classification: Benign. Review status: criteria provided, single submitter. Criteria: ACMG Guidelines, 2015. Collection method: not provided. Allele origin: germline. Inheritance: Autosomal dominant inheritance. Affected: yes.

NM_000121.4(EPOR):c.115+7A>G

Gene: EPOR (erythropoietin receptor; minus strand). Cytogenetic location: 19p13.2.
Variant type: single nucleotide variant.
Coding change: c.115+7A>G on transcript NM_000121.4 (MANE Select); 7 bases into the intron after coding-DNA position 115, A replaced by G.
Molecular consequence: intron variant.
Genome position (GRCh38, 1-based): chr19:11,384,086, T>C on the plus strand (A>G on the coding strand, the complement: EPOR is on the minus strand). VCF-style: chr19-11384086-T-C. GRCh37 (hg19) VCF-style: chr19-11494762-T-C.
Identifiers: ClinVar variation 328156 (VCV000328156.14), dbSNP rs192525298, ClinGen allele CA9210915.